The following is an entry in ClinVar:

ClinVar aggregate classification (germline): Uncertain significance (1 of 4 stars; one submission).

Submission:

CeGaT Center for Human Genetics Tuebingen
Classification: Uncertain significance. Last evaluated: 2026-08-01. Review status: criteria provided, single submitter. Criteria: CeGaT Center For Human Genetics Tuebingen Variant Classification Criteria Version 2. Collection method: clinical testing. Allele origin: germline. Affected: yes. Observed: 1 variant allele.
Comment: CUL4B: PM2, PP2

NM_001079872.2(CUL4B):c.2086G>A (p.Gly696Ser)

Gene: CUL4B (cullin 4B; minus strand). Cytogenetic location: Xq24.
Variant type: single nucleotide variant.
Coding change: c.2086G>A on transcript NM_001079872.2 (MANE Select); coding-DNA position 2086, G replaced by A.
Protein change: p.Gly696Ser; replaces glycine 696 with serine.
Molecular consequence: missense variant.
Genome position (GRCh38, 1-based): chrX:120,535,904, C>T on the plus strand (G>A on the coding strand, the complement: CUL4B is on the minus strand). VCF-style: chrX-120535904-C-T. GRCh37 (hg19) VCF-style: chrX-119669759-C-T.
Other names: c.2101G>A, p.Gly701Ser (NM_001330624.2); c.1552G>A, p.Gly518Ser (NM_001369145.1); c.2140G>A, p.Gly714Ser (NM_003588.4); short protein forms G518S, G696S, G701S, G714S.
Identifiers: ClinVar variation 5040727 (VCV005040727.1).